The following is an entry in ClinVar:

ClinVar aggregate classification (germline): Uncertain significance (1 of 4 stars; one submission).

Submission:

GeneDx
Classification: Uncertain significance. Last evaluated: 2024-10-12. Review status: criteria provided, single submitter. Criteria: GeneDx Variant Classification Process June 2021. Collection method: clinical testing. Allele origin: germline. Affected: yes.
Comment: Not observed at significant frequency in large population cohorts (gnomAD); In silico analysis supports that this missense variant has a deleterious effect on protein structure/function; Has not been previously published as pathogenic or benign to our knowledge

NM_000360.4(TH):c.1240C>A (p.Pro414Thr)

Gene: TH (tyrosine hydroxylase; minus strand). Cytogenetic location: 11p15.5.
Variant type: single nucleotide variant.
Coding change: c.1240C>A on transcript NM_000360.4 (MANE Select); coding-DNA position 1240, C replaced by A.
Protein change: p.Pro414Thr; replaces proline 414 with threonine.
Molecular consequence: missense variant.
Genome position (GRCh38, 1-based): chr11:2,165,326, G>T on the plus strand (C>A on the coding strand, the complement: TH is on the minus strand). VCF-style: chr11-2165326-G-T. GRCh37 (hg19) VCF-style: chr11-2186556-G-T.
Other names: c.1333C>A, p.Pro445Thr (NM_199292.3); c.1321C>A, p.Pro441Thr (NM_199293.3); short protein forms P414T, P441T, P445T.
Identifiers: ClinVar variation 3777668 (VCV003777668.1).